The following is an entry in ClinVar:

NM_058216.3(RAD51C):c.82dup (p.Val28fs)

Gene: RAD51C (RAD51 paralog C; plus strand). Cytogenetic location: 17q22.
Variant type: Duplication.
Coding change: c.82dup on transcript NM_058216.3 (MANE Select); coding-DNA position 82, one base duplicated (G; older notation c.82dupG).
Protein change: p.Val28fs; shifts the reading frame from valine 28.
Molecular consequence: frameshift variant. On other transcripts: non-coding transcript variant (1).
Genome position (GRCh38, 1-based): chr17:58,692,725, G duplicated; the last of 2 consecutive G bases (chr17:58,692,724-58,692,725); duplicating either gives the same sequence. VCF-style (leftmost placement, unchanged base first): chr17-58692723-T-TG. GRCh37 (hg19) VCF-style: chr17-56770084-T-TG.
Other names: c.82dup, p.Val28fs (NM_002876.4); short protein forms V28fs.
Identifiers: ClinVar variation 1459679 (VCV001459679.7), dbSNP rs2143677258, ClinGen allele CA2573154397.

ClinVar aggregate classification (germline): Pathogenic/Likely pathogenic. Review status: criteria provided, multiple submitters, no conflicts (2 of 4 stars). 2 submissions from 2 submitters: Pathogenic (1); Likely pathogenic (1). Last evaluated 2024-02-15.

Conditions:
Breast-ovarian cancer, familial, susceptibility to, 3. Also called: RAD51C-Related Breast/Ovarian Cancer. Identifiers: Orphanet 145, MedGen C3150659, MONDO:0013253, OMIM 613399.
Fanconi anemia complementation group O. Also called: RAD51C-Related Fanconi Anemia. Identifiers: Orphanet 84, MedGen C3150653, MONDO:0013248, OMIM 613390.

Submissions (2):

Fulgent Genetics
Classification: Likely pathogenic for Fanconi anemia complementation group O; Breast-ovarian cancer, familial, susceptibility to, 3. Last evaluated: 2024-02-15. Review status: criteria provided, single submitter. Criteria: ACMG Guidelines, 2015. Collection method: clinical testing. Allele origin: germline.

Labcorp Genetics (formerly Invitae), Labcorp
Classification: Pathogenic for Fanconi anemia complementation group O. Last evaluated: 2021-12-20. Review status: criteria provided, single submitter. Criteria: Invitae Variant Classification Sherloc (09022015). Collection method: clinical testing. Allele origin: germline.
Comment: For these reasons, this variant has been classified as Pathogenic. This variant has not been reported in the literature in individuals affected with RAD51C-related conditions. This variant is not present in population databases (gnomAD no frequency). This sequence change creates a premature translational stop signal (p.Val28Glyfs*9) in the RAD51C gene. It is expected to result in an absent or disrupted protein product. Loss-of-function variants in RAD51C are known to be pathogenic (PMID: 20400964, 21990120, 24800917).

Literature cited by the submitters: PubMed 20400964 (cited by Labcorp Genetics (formerly Invitae), Labcorp); PubMed 21990120 (cited by Labcorp Genetics (formerly Invitae), Labcorp); PubMed 24800917 (cited by Labcorp Genetics (formerly Invitae), Labcorp).